The following is an entry in ClinVar:

ClinVar aggregate classification (germline): Uncertain significance (1 of 4 stars; one submission).

Conditions:
PHIP-related disorder. Also called: PHIP-related disorders; PHIP-related condition.

gnomAD v4.1: 1 of 1,595,316 alleles (0.000063%); highest among the groups gnomAD compares: South Asian, 0.0011%; no homozygotes.

Submission:

PreventionGenetics, part of Exact Sciences
Classification: Uncertain significance for PHIP-related condition. Last evaluated: 2026-03-02. Review status: criteria provided, single submitter. Criteria: ACMG Guidelines, 2015. Collection method: clinical testing. Allele origin: germline.
Comment: The PHIP c.911C>T variant is predicted to result in the amino acid substitution p.Thr304Ile. To our knowledge, this variant has not been reported in the literature. This variant is reported in 0.0033% of alleles in individuals of South Asian descent in gnomAD. At this time, the clinical significance of this variant is uncertain due to the absence of conclusive functional and genetic evidence.

NM_017934.7(PHIP):c.911C>T (p.Thr304Ile)

Gene: PHIP (PHIP subunit of CUL4-Ring ligase complex; minus strand). Cytogenetic location: 6q14.1.
Variant type: single nucleotide variant.
Coding change: c.911C>T on transcript NM_017934.7 (MANE Select); coding-DNA position 911, C replaced by T.
Protein change: p.Thr304Ile; replaces threonine 304 with isoleucine.
Molecular consequence: missense variant.
Genome position (GRCh38, 1-based): chr6:79,025,531, G>A on the plus strand (C>T on the coding strand, the complement: PHIP is on the minus strand). VCF-style: chr6-79025531-G-A. GRCh37 (hg19) VCF-style: chr6-79735248-G-A.
Other names: short protein forms T304I.
Identifiers: ClinVar variation 4995801 (VCV004995801.1).
Genomic context (GRCh38, chr6:79,025,531, plus strand): 5'-CTCATTAAACTAAACACATTTAATCTATGAAATAAAATAGAAACTGACTTTATTTTAAGG[G>A]TTCCAGCATCCCAGAGCCAAAAACAAATAGTGCCATCTGCCCCAGTAGAAGATAGATATC-3'
Protein context (NP_060404.4, residues 294-314): TICFWLWDAG[Thr304Ile]LKINPRPAKF